The following is an entry in ClinVar:

NM_001267550.2(TTN):c.16477G>A (p.Gly5493Ser)

Gene: TTN (titin; minus strand). Cytogenetic location: 2q31.2.
Variant type: single nucleotide variant.
Coding change: c.16477G>A on transcript NM_001267550.2 (MANE Select); coding-DNA position 16477, G replaced by A.
Protein change: p.Gly5493Ser; replaces glycine 5493 with serine.
Molecular consequence: missense variant. On other transcripts: intron variant (3).
Genome position (GRCh38, 1-based): chr2:178,732,584, C>T on the plus strand (G>A on the coding strand, the complement: TTN is on the minus strand). VCF-style: chr2-178732584-C-T. GRCh37 (hg19) VCF-style: chr2-179597311-C-T.
Other names: c.15526G>A, p.Gly5176Ser (NM_001256850.1); c.12745G>A, p.Gly4249Ser (NM_133378.4); c.13282+5498G>A (NM_003319.4); c.13858+5498G>A (NM_133437.4); c.13657+5498G>A (NM_133432.3); short protein forms G5176S, G4249S, G5493S.
Identifiers: ClinVar variation 282833 (VCV000282833.25), dbSNP rs377042940, ClinGen allele CA2002027.

ClinVar aggregate classification (germline): Conflicting classifications of pathogenicity. Review status: criteria provided, conflicting classifications (1 of 4 stars). 8 submissions from 8 submitters: Uncertain significance (3); Likely benign (2). 3 of the submissions do not count toward it. Last evaluated 2026-03-26.

Conditions:
TTN-related disorder. Also called: TTN-related condition; TTN-related disease; TTN-related disorders.
Autosomal recessive limb-girdle muscular dystrophy type 2J (LGMDR10). Also called: MUSCULAR DYSTROPHY, LIMB-GIRDLE, AUTOSOMAL RECESSIVE 10; Limb-girdle muscular dystrophy, type 2J. Identifiers: Orphanet 140922, MedGen C1837342, MONDO:0012127, OMIM 608807.
Dilated cardiomyopathy 1G (CMD1G). Identifiers: Orphanet 154, MedGen C1858763, MONDO:0011400, OMIM 604145.

Allele frequency attached by ClinVar (database versions not stated): gnomAD exomes 0.00002 and 0.00009; ESP Exome Variant Server 0.00008; ExAC 0.00010; gnomAD 0.00024 and 0.00026; TOPMed 0.00026; 1000 Genomes Project 30x 0.00031; 1000 Genomes Project 0.00040.
gnomAD v4.1: 69 of 1,613,610 alleles (0.0043%); highest among the groups gnomAD compares: African/African-American, 0.091%; no homozygotes.

Submissions (8):

PreventionGenetics, part of Exact Sciences
Classification: Uncertain significance for TTN-related condition. Last evaluated: 2026-03-26. Review status: criteria provided, single submitter. Criteria: ACMG Guidelines, 2015. Collection method: clinical testing. Allele origin: germline.
Comment: The TTN c.16477G>A variant is predicted to result in the amino acid substitution p.Gly5493Ser. To our knowledge, this variant has not been reported in the literature. This variant is reported in 0.12% of alleles in individuals of African descent in gnomAD. Although we suspect that this variant may be benign, at this time, the clinical significance of this variant is uncertain due to the absence of conclusive functional and genetic evidence.

Labcorp Genetics (formerly Invitae), Labcorp
Classification: Likely benign for Dilated cardiomyopathy 1G; Autosomal recessive limb-girdle muscular dystrophy type 2J. Last evaluated: 2026-01-11. Review status: criteria provided, single submitter. Criteria: Invitae Variant Classification Sherloc (09022015). Collection method: clinical testing. Allele origin: germline.

Revvity Omics, Revvity
Classification: Uncertain significance. Last evaluated: 2022-03-09. Review status: criteria provided, single submitter. Criteria: ACMG Guidelines, 2015. Collection method: clinical testing. Allele origin: germline.

GeneDx
Classification: Likely benign. Last evaluated: 2021-08-12. Review status: criteria provided, single submitter. Criteria: GeneDx Variant Classification Process June 2021. Collection method: clinical testing. Allele origin: germline. Affected: yes.

Eurofins Ntd Llc (ga)
Classification: Uncertain significance. Last evaluated: 2017-11-27. Review status: criteria provided, single submitter. Criteria: EGL Classification Definitions 2015. Collection method: clinical testing. Allele origin: germline. Observed: 2 variant alleles, 2 heterozygotes.

Clinical Genetics DNA and cytogenetics Diagnostics Lab, Erasmus MC, Erasmus Medical Center
Classification: Uncertain significance. Review status: no assertion criteria provided. Collection method: clinical testing. Allele origin: germline. Affected: yes. Study: VKGL Data-share Consensus. Not counted in ClinVar's aggregate classification.

Clinical Genetics, Academic Medical Center
Classification: Uncertain significance. Review status: no assertion criteria provided. Collection method: clinical testing. Allele origin: germline. Affected: yes. Study: VKGL Data-share Consensus. Not counted in ClinVar's aggregate classification.

Genome Diagnostics Laboratory, Amsterdam University Medical Center
Classification: Uncertain significance. Review status: no assertion criteria provided. Collection method: clinical testing. Allele origin: germline. Affected: yes. Study: VKGL Data-share Consensus. Not counted in ClinVar's aggregate classification.